The following is an entry in ClinVar:

NM_001563.4(IMPG1):c.846A>C (p.Lys282Asn)

Gene: IMPG1 (interphotoreceptor matrix proteoglycan 1; minus strand). Cytogenetic location: 6q14.1.
Variant type: single nucleotide variant.
Coding change: c.846A>C on transcript NM_001563.4 (MANE Select); coding-DNA position 846, A replaced by C.
Protein change: p.Lys282Asn; replaces lysine 282 with asparagine.
Molecular consequence: missense variant.
Genome position (GRCh38, 1-based): chr6:76,011,186, T>G on the plus strand (A>C on the coding strand, the complement: IMPG1 is on the minus strand). VCF-style: chr6-76011186-T-G. GRCh37 (hg19) VCF-style: chr6-76720903-T-G.
Other names: c.612A>C, p.Lys204Asn (NM_001282368.2); c.846A>C (NM_001563.2, NM_001563.3); short protein forms K204N, K282N.
Identifiers: ClinVar variation 2140435 (VCV002140435.8), dbSNP rs759788971, ClinGen allele CA3898305.
Genomic context (GRCh38, chr6:76,011,186, plus strand): 5'-GTAATTTAAAAATTGAGAAGAGTTTGATTCTCTTACTTACCTAAATCCTAACACATGGAT[T>G]TTTTTGAATCCTGGAAGTTTCTTAAATATCTTTTGCATCTGCAGAGAGAAAGAAATTTGT-3'
Protein context (NP_001554.2, residues 272-292): KIFKKLPGFK[Lys282Asn]IHVLGFRPKK

ClinVar aggregate classification (germline): Uncertain significance. Review status: criteria provided, multiple submitters, no conflicts (2 of 4 stars). 5 submissions from 5 submitters: Uncertain significance (4). 1 of the submissions does not count toward it. Last evaluated 2026-03-12.

Conditions:
Retinal dystrophy. Also called: Inherited retinal dystrophy. Identifiers: Orphanet 71862, MedGen C0854723, MeSH D058499, MONDO:0019118, HP:0000556.
IMPG1-related disorder. Also called: IMPG1-related condition.

Allele frequency attached by ClinVar (database versions not stated): ExAC 0.00001; TOPMed 0.00002; gnomAD exomes 0.00003; gnomAD 0.00005.
gnomAD v4.1: 46 of 1,548,878 alleles (0.003%); highest among the groups gnomAD compares: Non-Finnish European, 0.0038%; no homozygotes.

Submissions (5):

PreventionGenetics, part of Exact Sciences
Classification: Uncertain significance for IMPG1-related condition. Last evaluated: 2026-03-12. Review status: criteria provided, single submitter. Criteria: ACMG Guidelines, 2015. Collection method: clinical testing. Allele origin: germline.
Comment: The IMPG1 c.846A>C variant is predicted to result in the amino acid substitution p.Lys282Asn. To our knowledge, this variant has not been reported in the literature. This variant is present in 0.0031% of alleles in individuals of European (Non-Finnish) descent in gnomAD. At this time, the clinical significance of this variant is uncertain due to the absence of conclusive functional and genetic evidence.

Labcorp Genetics (formerly Invitae), Labcorp
Classification: Uncertain significance. Last evaluated: 2025-05-13. Review status: criteria provided, single submitter. Criteria: Invitae Variant Classification Sherloc (09022015). Collection method: clinical testing. Allele origin: germline.
Comment: This sequence change replaces lysine, which is basic and polar, with asparagine, which is neutral and polar, at codon 282 of the IMPG1 protein (p.Lys282Asn). This variant is present in population databases (rs759788971, gnomAD 0.002%). This variant has not been reported in the literature in individuals affected with IMPG1-related conditions. ClinVar contains an entry for this variant (Variation ID: 2140435). An algorithm developed to predict the effect of missense changes on protein structure and function (PolyPhen-2) suggests that this variant is likely to be tolerated. In summary, the available evidence is currently insufficient to determine the role of this variant in disease. Therefore, it has been classified as a Variant of Uncertain Significance.

Ambry Genetics
Classification: Uncertain significance. Last evaluated: 2025-02-19. Review status: criteria provided, single submitter. Criteria: Ambry Variant Classification Scheme 2023. Collection method: clinical testing. Allele origin: germline.

Blueprint Genetics
Classification: Uncertain significance. Last evaluated: 2024-09-10. Review status: criteria provided, single submitter. Criteria: ACMG Guidelines, 2015. Collection method: clinical testing. Allele origin: germline.

Institute of Human Genetics, Univ. Regensburg, Univ. Regensburg
Classification: Uncertain significance for Retinal dystrophy. Last evaluated: 2023-01-01. Review status: no assertion criteria provided. Criteria: ACMG Guidelines, 2015. Collection method: clinical testing. Allele origin: germline. Affected: yes. Not counted in ClinVar's aggregate classification.